The following is an entry in ClinVar:

NM_001330700.2(TOP2B):c.1361G>A (p.Ser454Asn)

Gene: TOP2B (DNA topoisomerase II beta; minus strand). Cytogenetic location: 3p24.2.
Variant type: single nucleotide variant.
Coding change: c.1361G>A on transcript NM_001330700.2 (MANE Select); coding-DNA position 1361, G replaced by A.
Protein change: p.Ser454Asn; replaces serine 454 with asparagine.
Molecular consequence: missense variant.
Genome position (GRCh38, 1-based): chr3:25,630,845, C>T on the plus strand (G>A on the coding strand, the complement: TOP2B is on the minus strand). VCF-style: chr3-25630845-C-T. GRCh37 (hg19) VCF-style: chr3-25672336-C-T.
Other names: c.1346G>A, p.Ser449Asn (NM_001068.3); short protein forms S454N, S449N.
Identifiers: ClinVar variation 1348770 (VCV001348770.6), dbSNP rs748754892, ClinGen allele CA2288693.

ClinVar aggregate classification (germline): Uncertain significance (1 of 4 stars; one submission).

Allele frequency attached by ClinVar (database versions not stated): TOPMed below 0.00001; ExAC 0.00001; gnomAD 0.00001; gnomAD exomes 0.00001.
gnomAD v4.1: 11 of 1,594,478 alleles (0.00069%); highest among the groups gnomAD compares: Non-Finnish European, 0.00094%; no homozygotes.

Submission:

Labcorp Genetics (formerly Invitae), Labcorp
Classification: Uncertain significance. Last evaluated: 2021-11-16. Review status: criteria provided, single submitter. Criteria: Invitae Variant Classification Sherloc (09022015). Collection method: clinical testing. Allele origin: germline.
Comment: In summary, the available evidence is currently insufficient to determine the role of this variant in disease. Therefore, it has been classified as a Variant of Uncertain Significance. Algorithms developed to predict the effect of missense changes on protein structure and function are either unavailable or do not agree on the potential impact of this missense change (SIFT: "Deleterious"; PolyPhen-2: "Benign"; Align-GVGD: "Class C0"). This variant has not been reported in the literature in individuals affected with TOP2B-related conditions. This variant is present in population databases (rs748754892, gnomAD 0.003%). This sequence change replaces serine, which is neutral and polar, with asparagine, which is neutral and polar, at codon 449 of the TOP2B protein (p.Ser449Asn).